The following is an entry in ClinVar:

ClinVar aggregate classification (germline): Uncertain significance (1 of 4 stars; one submission).

Allele frequency attached by ClinVar (database versions not stated): gnomAD exomes below 0.00001.
gnomAD v4.1: 1 of 1,613,980 alleles (0.000062%); highest among the groups gnomAD compares: Non-Finnish European, 0.000085%; no homozygotes.

Submission:

GeneDx
Classification: Uncertain significance. Last evaluated: 2023-02-03. Review status: criteria provided, single submitter. Criteria: GeneDx Variant Classification Process June 2021. Collection method: clinical testing. Allele origin: germline. Affected: yes.
Comment: Not observed at significant frequency in large population cohorts (gnomAD); In silico analysis supports that this variant does not alter splicing; Has not been previously published as pathogenic or benign to our knowledge

NM_006231.4(POLE):c.5343C>T (p.Ser1781=)

Gene: POLE (DNA polymerase epsilon, catalytic subunit; minus strand). Cytogenetic location: 12q24.33.
Variant type: single nucleotide variant.
Coding change: c.5343C>T on transcript NM_006231.4 (MANE Select); coding-DNA position 5343, C replaced by T.
Protein change: p.Ser1781=; no amino-acid change (serine 1781 retained).
Molecular consequence: synonymous variant.
Genome position (GRCh38, 1-based): chr12:132,641,682, G>A on the plus strand (C>T on the coding strand, the complement: POLE is on the minus strand). VCF-style: chr12-132641682-G-A. GRCh37 (hg19) VCF-style: chr12-133218268-G-A.
Identifiers: ClinVar variation 2575033 (VCV002575033.1), dbSNP rs2541880235, ClinGen allele CA482726967.